The following is an entry in ClinVar:

ClinVar aggregate classification (germline): Benign/Likely benign. Review status: criteria provided, multiple submitters, no conflicts (2 of 4 stars). 3 submissions from 3 submitters: Benign (1); Likely benign (1). 1 of the submissions does not count toward it. Last evaluated 2026-01-20.

Conditions:
SRD5A2-related disorder. Also called: SRD5A2-related condition.
3-Oxo-5 alpha-steroid delta 4-dehydrogenase deficiency (PPSH). Also called: FAMILIAL INCOMPLETE MALE PSEUDOHERMAPHRODITISM, TYPE 2; MALE PSEUDOHERMAPHRODITISM DUE TO 5-ALPHA-REDUCTASE DEFICIENCY; 46,XY disorder of sex development due to 5-alpha-reductase 2 deficiency; PSEUDOVAGINAL PERINEOSCROTAL HYPOSPADIAS. Identifiers: Orphanet 753, MedGen C0268297, MONDO:0009923, OMIM 264600. Disease mechanism: loss of function.

Allele frequency attached by ClinVar (database versions not stated): ESP Exome Variant Server 0.00008; gnomAD 0.00018 and 0.00028; TOPMed 0.00025; 1000 Genomes Project 0.00160; 1000 Genomes Project 30x 0.00172; gnomAD exomes 0.00036 and 0.00061; ExAC 0.00055.
gnomAD v4.1: 549 of 1,613,798 alleles (0.034%); highest among the groups gnomAD compares: East Asian, 1.2%; 5 homozygotes.

Submissions (3):

PreventionGenetics, part of Exact Sciences
Classification: Likely benign for SRD5A2-related condition. Last evaluated: 2026-01-20. Review status: criteria provided, single submitter. Criteria: ACMG Guidelines, 2015. Collection method: clinical testing. Allele origin: germline.
Comment: This variant is classified as likely benign based on ACMG/AMP sequence variant interpretation guidelines (Richards et al. 2015 PMID: 25741868, with internal and published modifications).

Labcorp Genetics (formerly Invitae), Labcorp
Classification: Benign for 3-Oxo-5 alpha-steroid delta 4-dehydrogenase deficiency. Last evaluated: 2025-12-24. Review status: criteria provided, single submitter. Criteria: Invitae Variant Classification Sherloc (09022015). Collection method: clinical testing. Allele origin: germline.

University of Sydney Medical Foundation
No classification provided. Review status: no classification provided. Collection method: not provided. Allele origin: not provided. Not counted in ClinVar's aggregate classification.

NM_000348.4(SRD5A2):c.696T>C (p.His232=)

Gene: SRD5A2 (steroid 5 alpha-reductase 2; minus strand). Cytogenetic location: 2p23.1.
Variant type: single nucleotide variant.
Coding change: c.696T>C on transcript NM_000348.4 (MANE Select); coding-DNA position 696, T replaced by C.
Protein change: p.His232=; no amino-acid change (histidine 232 retained).
Molecular consequence: synonymous variant.
Genome position (GRCh38, 1-based): chr2:31,529,309, A>G on the plus strand (T>C on the coding strand, the complement: SRD5A2 is on the minus strand). VCF-style: chr2-31529309-A-G. GRCh37 (hg19) VCF-style: chr2-31754379-A-G.
Other names: c.696T>C (NM_000348.3).
Identifiers: ClinVar variation 97413 (VCV000097413.5), dbSNP rs9332965, ClinGen allele CA224920.